The following is an entry in ClinVar:

ClinVar aggregate classification (germline): Uncertain significance (1 of 4 stars; one submission).

Submission:

Ambry Genetics
Classification: Uncertain significance. Last evaluated: 2025-08-12. Review status: criteria provided, single submitter. Criteria: Ambry Variant Classification Scheme 2023. Collection method: clinical testing. Allele origin: germline.
Comment: The p.G279S variant (also known as c.835G>A), located in coding exon 8 of the KIF1B gene, results from a G to A substitution at nucleotide position 835. The glycine at codon 279 is replaced by serine, an amino acid with similar properties. This amino acid position is conserved. In addition, this alteration is predicted to be deleterious by in silico analysis. Based on the available evidence, the clinical significance of this variant remains unclear.

NM_001365951.3(KIF1B):c.835G>A (p.Gly279Ser)

Gene: KIF1B (kinesin family member 1B; plus strand). Cytogenetic location: 1p36.22.
Variant type: single nucleotide variant.
Coding change: c.835G>A on transcript NM_001365951.3 (MANE Select); coding-DNA position 835, G replaced by A.
Protein change: p.Gly279Ser; replaces glycine 279 with serine.
Molecular consequence: missense variant.
Genome position (GRCh38, 1-based): chr1:10,272,277, G>A. VCF-style: chr1-10272277-G-A. GRCh37 (hg19) VCF-style: chr1-10332335-G-A.
Other names: c.835G>A, p.Gly279Ser (NM_001365952.1, NM_001365953.1, NM_015074.3 and 1 more transcripts); short protein forms G279S.
Identifiers: ClinVar variation 4092365 (VCV004092365.1).